The following is an entry in ClinVar:

NM_001291415.2(KDM6A):c.152G>T (p.Gly51Val)

Genes: KDM6A (lysine demethylase 6A; plus strand), LOC130068183 (ATAC-STARR-seq lymphoblastoid silent region 20785; plus strand). Cytogenetic location: Xp11.3.
Variant type: single nucleotide variant.
Coding change: c.152G>T on transcript NM_001291415.2 (MANE Select); coding-DNA position 152, G replaced by T.
Protein change: p.Gly51Val; replaces glycine 51 with valine.
Molecular consequence: missense variant. On other transcripts: non-coding transcript variant (1), 5 prime UTR variant (1).
Genome position (GRCh38, 1-based): chrX:44,873,703, G>T. VCF-style: chrX-44873703-G-T. GRCh37 (hg19) VCF-style: chrX-44732949-G-T.
Other names: c.152G>T, p.Gly51Val (NM_001419813.1, NM_001419814.1, NM_001419815.1 and 9 more transcripts); c.-481G>T (NM_001291421.2); c.152G>T (NM_021140.3); short protein forms G51V.
Identifiers: ClinVar variation 2842572 (VCV002842572.4), dbSNP rs1352040501, ClinGen allele CA413020396.

ClinVar aggregate classification (germline): Uncertain significance. Review status: criteria provided, multiple submitters, no conflicts (2 of 4 stars). 2 submissions from 2 submitters: Uncertain significance (2). Last evaluated 2024-02-07.

Conditions:
Kabuki syndrome 2 (KABUK2). Also called: KDM6A-Related Kabuki Syndrome. Identifiers: Orphanet 2322, MedGen C3275495, MONDO:0010465, OMIM 300867.

Allele frequency attached by ClinVar (database versions not stated): TOPMed below 0.00001.
gnomAD v4.1: 2 of 1,171,178 alleles (0.00017%); highest among the groups gnomAD compares: East Asian, 0.0064%; no homozygotes.

Submissions (2):

Fulgent Genetics
Classification: Uncertain significance for Kabuki syndrome 2. Last evaluated: 2024-02-07. Review status: criteria provided, single submitter. Criteria: ACMG Guidelines, 2015. Collection method: clinical testing. Allele origin: germline.

Labcorp Genetics (formerly Invitae), Labcorp
Classification: Uncertain significance for Kabuki syndrome 2. Last evaluated: 2023-03-07. Review status: criteria provided, single submitter. Criteria: Invitae Variant Classification Sherloc (09022015). Collection method: clinical testing. Allele origin: germline.
Comment: In summary, the available evidence is currently insufficient to determine the role of this variant in disease. Therefore, it has been classified as a Variant of Uncertain Significance. Advanced modeling of protein sequence and biophysical properties (such as structural, functional, and spatial information, amino acid conservation, physicochemical variation, residue mobility, and thermodynamic stability) performed at Invitae indicates that this missense variant is not expected to disrupt KDM6A protein function. This variant has not been reported in the literature in individuals affected with KDM6A-related conditions. This variant is not present in population databases (gnomAD no frequency). This sequence change replaces glycine, which is neutral and non-polar, with valine, which is neutral and non-polar, at codon 51 of the KDM6A protein (p.Gly51Val).